The following is an entry in ClinVar:

ClinVar aggregate classification (germline): Uncertain significance (1 of 4 stars; one submission).

Conditions:
PAX3-related disorder. Also called: PAX3-related condition.

gnomAD v4.1: 1 of 1,613,904 alleles (0.000062%); highest among the groups gnomAD compares: Non-Finnish European, 0.000085%; no homozygotes.

Submission:

PreventionGenetics, part of Exact Sciences
Classification: Uncertain significance for PAX3-related condition. Last evaluated: 2026-04-21. Review status: criteria provided, single submitter. Criteria: ACMG Guidelines, 2015. Collection method: clinical testing. Allele origin: germline.
Comment: The PAX3 c.1209G>T variant is predicted to result in the amino acid substitution p.Lys403Asn. To our knowledge, this variant has not been reported in the literature. This variant is reported in 0.00089% of alleles in individuals of European (Non-Finnish) descent in gnomAD. At this time, the clinical significance of this variant is uncertain due to the absence of conclusive functional and genetic evidence.

NM_181458.4(PAX3):c.*1G>T

Gene: PAX3 (paired box 3; minus strand). Cytogenetic location: 2q36.1.
Variant type: single nucleotide variant.
Coding change: c.*1G>T on transcript NM_181458.4 (MANE Select); 1 bases downstream of the stop codon, G replaced by T.
Molecular consequence: 3 prime UTR variant. On other transcripts: missense variant (1), intron variant (2).
Genome position (GRCh38, 1-based): chr2:222,201,407, C>A on the plus strand (G>T on the coding strand, the complement: PAX3 is on the minus strand). VCF-style: chr2-222201407-C-A. GRCh37 (hg19) VCF-style: chr2-223066126-C-A.
Other names: c.*1G>T (NM_001127366.3); c.1209G>T, p.Lys403Asn (NM_181461.4); c.1204+5G>T (NM_181460.4); c.1451+5G>T (NM_181459.4); short protein forms K403N.
Identifiers: ClinVar variation 4995945 (VCV004995945.1).